The following is an entry in ClinVar:

ClinVar aggregate classification (germline): Uncertain significance. Review status: criteria provided, single submitter (1 of 4 stars). 2 submissions from 2 submitters: Uncertain significance (1). 1 of the submissions does not count toward it. Last evaluated 2024-01-19.

Conditions:
Alstrom syndrome (ALMS). Identifiers: Orphanet 64, MedGen C0268425, MONDO:0008763, OMIM 203800.

Allele frequency attached by ClinVar (database versions not stated): ExAC 0.00001; gnomAD exomes 0.00001; TOPMed 0.00001; gnomAD 0.00002.
gnomAD v4.1: 22 of 1,612,082 alleles (0.0014%); highest among the groups gnomAD compares: Middle Eastern, 0.016%; no homozygotes.

Submissions (2):

Labcorp Genetics (formerly Invitae), Labcorp
Classification: Uncertain significance for Alstrom syndrome. Last evaluated: 2024-01-19. Review status: criteria provided, single submitter. Criteria: Invitae Variant Classification Sherloc (09022015). Collection method: clinical testing. Allele origin: germline.
Comment: This sequence change replaces arginine, which is basic and polar, with cysteine, which is neutral and slightly polar, at codon 293 of the ALMS1 protein (p.Arg293Cys). This variant is present in population databases (rs757657988, gnomAD 0.002%). This variant has not been reported in the literature in individuals affected with ALMS1-related conditions. ClinVar contains an entry for this variant (Variation ID: 1045760). Experimental studies and prediction algorithms are not available or were not evaluated, and the functional significance of this variant is currently unknown. In summary, the available evidence is currently insufficient to determine the role of this variant in disease. Therefore, it has been classified as a Variant of Uncertain Significance.

Natera, Inc.
Classification: Uncertain significance for Alstrom syndrome. Last evaluated: 2020-07-23. Review status: no assertion criteria provided. Collection method: clinical testing. Allele origin: germline. Not counted in ClinVar's aggregate classification.

NM_001378454.1(ALMS1):c.874C>T (p.Arg292Cys)

Gene: ALMS1 (ALMS1 centrosome and basal body associated protein; plus strand). Cytogenetic location: 2p13.1.
Variant type: single nucleotide variant.
Coding change: c.874C>T on transcript NM_001378454.1 (MANE Select); coding-DNA position 874, C replaced by T.
Protein change: p.Arg292Cys; replaces arginine 292 with cysteine.
Molecular consequence: missense variant.
Genome position (GRCh38, 1-based): chr2:73,424,539, C>T. VCF-style: chr2-73424539-C-T. GRCh37 (hg19) VCF-style: chr2-73651667-C-T.
Other names: c.877C>T, p.Arg293Cys (NM_015120.4); short protein forms R293C, R292C.
Identifiers: ClinVar variation 1045760 (VCV001045760.7), dbSNP rs757657988, ClinGen allele CA1713005.